The following is an entry in ClinVar:

NM_182961.4(SYNE1):c.20782A>T (p.Asn6928Tyr)

Gene: SYNE1 (spectrin repeat containing nuclear envelope protein 1; minus strand). Cytogenetic location: 6q25.2.
Variant type: single nucleotide variant.
Coding change: c.20782A>T on transcript NM_182961.4 (MANE Select); coding-DNA position 20782, A replaced by T.
Protein change: p.Asn6928Tyr; replaces asparagine 6928 with tyrosine.
Molecular consequence: missense variant.
Genome position (GRCh38, 1-based): chr6:152,232,196, T>A on the plus strand (A>T on the coding strand, the complement: SYNE1 is on the minus strand). VCF-style: chr6-152232196-T-A. GRCh37 (hg19) VCF-style: chr6-152553331-T-A.
Other names: p.Asn6857Tyr; c.20569A>T, p.Asn6857Tyr (NM_033071.5); short protein forms N6857Y, N6928Y.
Identifiers: ClinVar variation 4541240 (VCV004541240.1).

ClinVar aggregate classification (germline): Uncertain significance (1 of 4 stars; one submission).

gnomAD v4.1: 9 of 1,613,380 alleles (0.00056%); highest among the groups gnomAD compares: African/African-American, 0.0053%; no homozygotes.

Submission:

Mayo Clinic Laboratories, Mayo Clinic
Classification: Uncertain significance. Last evaluated: 2025-03-06. Review status: criteria provided, single submitter. Criteria: ACMG Guidelines, 2015. Collection method: clinical testing. Allele origin: germline. Observed: 1 variant allele.
Comment: BP4_moderate